The following is an entry in ClinVar:

NM_001184880.2(PCDH19):c.3105C>T (p.Gly1035=)

Gene: PCDH19 (protocadherin 19; minus strand). Cytogenetic location: Xq22.1.
Variant type: single nucleotide variant.
Coding change: c.3105C>T on transcript NM_001184880.2 (MANE Select); coding-DNA position 3105, C replaced by T.
Protein change: p.Gly1035=; no amino-acid change (glycine 1035 retained).
Molecular consequence: synonymous variant.
Genome position (GRCh38, 1-based): chrX:100,296,619, G>A on the plus strand (C>T on the coding strand, the complement: PCDH19 is on the minus strand). VCF-style: chrX-100296619-G-A. GRCh37 (hg19) VCF-style: chrX-99551617-G-A.
Other names: c.2964C>T, p.Gly988= (NM_001105243.2); c.2961C>T, p.Gly987= (NM_020766.3).
Identifiers: ClinVar variation 2871243 (VCV002871243.3), dbSNP rs2520446403, ClinGen allele CA517747766.

ClinVar aggregate classification (germline): Uncertain significance (1 of 4 stars; one submission).

Conditions:
Developmental and epileptic encephalopathy, 9 (DEE9). Also called: Early infantile epileptic encephalopathy 9; EPILEPSY, FEMALE-RESTRICTED, WITH MENTAL RETARDATION; JUBERG-HELLMAN SYNDROME; PCDH19-Related X-Linked Female-Limited Epilepsy with Mental Retardation. Identifiers: Orphanet 101039, Orphanet 2076, MedGen C1848137, MONDO:0010246, OMIM 300088. Disease mechanism: loss of function.

Submission:

Labcorp Genetics (formerly Invitae), Labcorp
Classification: Uncertain significance for Developmental and epileptic encephalopathy, 9. Last evaluated: 2024-06-10. Review status: criteria provided, single submitter. Criteria: Invitae Variant Classification Sherloc (09022015). Collection method: clinical testing. Allele origin: germline.
Comment: This sequence change affects codon 1035 of the PCDH19 mRNA. It is a 'silent' change, meaning that it does not change the encoded amino acid sequence of the PCDH19 protein. This variant is not present in population databases (gnomAD no frequency). This variant has not been reported in the literature in individuals affected with PCDH19-related conditions. Algorithms developed to predict the effect of sequence changes on RNA splicing suggest that this variant may create or strengthen a splice site. In summary, the available evidence is currently insufficient to determine the role of this variant in disease. Therefore, it has been classified as a Variant of Uncertain Significance.